The following is an entry in ClinVar:

ClinVar aggregate classification (germline): Uncertain significance (1 of 4 stars; one submission).

Conditions:
Autosomal dominant nocturnal frontal lobe epilepsy 5. Also called: KCNT1-Related Epilepsy; CILIARY DYSKINESIA, PRIMARY, 28, WITHOUT SITUS INVERSUS; CILIARY DYSKINESIA, PRIMARY, 28, WITH SITUS INVERSUS; Epilepsy, nocturnal frontal lobe, 5. Identifiers: Orphanet 98784, MedGen C3554306, MONDO:0014002, OMIM 615005.
Developmental and epileptic encephalopathy, 14 (DEE14). Also called: Early infantile epileptic encephalopathy 14. Identifiers: Orphanet 293181, MedGen C3554195, MONDO:0013989, OMIM 614959.

Allele frequency attached by ClinVar (database versions not stated): TOPMed below 0.00001.

Submission:

Labcorp Genetics (formerly Invitae), Labcorp
Classification: Uncertain significance for Autosomal dominant nocturnal frontal lobe epilepsy 5; Developmental and epileptic encephalopathy, 14. Last evaluated: 2025-06-08. Review status: criteria provided, single submitter. Criteria: Invitae Variant Classification Sherloc (09022015). Collection method: clinical testing. Allele origin: germline.
Comment: This sequence change replaces alanine, which is neutral and non-polar, with threonine, which is neutral and polar, at codon 711 of the KCNT1 protein (p.Ala711Thr). The frequency data for this variant in the population databases is considered unreliable, as metrics indicate poor data quality at this position in the gnomAD database. This variant has not been reported in the literature in individuals affected with KCNT1-related conditions. ClinVar contains an entry for this variant (Variation ID: 1038295). Invitae Evidence Modeling of protein sequence and biophysical properties (such as structural, functional, and spatial information, amino acid conservation, physicochemical variation, residue mobility, and thermodynamic stability) indicates that this missense variant is not expected to disrupt KCNT1 protein function with a negative predictive value of 80%. In summary, the available evidence is currently insufficient to determine the role of this variant in disease. Therefore, it has been classified as a Variant of Uncertain Significance.

NM_020822.3(KCNT1):c.2131G>A (p.Ala711Thr)

Gene: KCNT1 (potassium sodium-activated channel subfamily T member 1; plus strand). Cytogenetic location: 9q34.3.
Variant type: single nucleotide variant.
Coding change: c.2131G>A on transcript NM_020822.3 (MANE Select); coding-DNA position 2131, G replaced by A.
Protein change: p.Ala711Thr; replaces alanine 711 with threonine.
Molecular consequence: missense variant.
Genome position (GRCh38, 1-based): chr9:135,772,837, G>A. VCF-style: chr9-135772837-G-A. GRCh37 (hg19) VCF-style: chr9-138664683-G-A.
Other names: c.1996G>A, p.Ala666Thr (NM_001272003.2); short protein forms A711T, A666T.
Identifiers: ClinVar variation 1038295 (VCV001038295.9), dbSNP rs1277141686, ClinGen allele CA375510728.
Genomic context (GRCh38, chr9:135,772,837, plus strand): 5'-GGGGGCAGCAAGCTGGCACTGCCCACGGAGAACGGCTCGGGCAGCCGGCGGCCCAGCATC[G>A]CGCCCGTCCTGGAACTGGCCGACAGCTCAGCCCTGCTGCCCTGCGACCTGCTGAGCGACC-3'
Protein context (NP_065873.2, residues 701-721): NGSGSRRPSI[Ala711Thr]PVLELADSSA